The following is an entry in ClinVar:

ClinVar aggregate classification (germline): Uncertain significance. Review status: criteria provided, multiple submitters, no conflicts (2 of 4 stars). 2 submissions from 2 submitters: Uncertain significance (2). Last evaluated 2025-11-09.

Conditions:
DiGeorge syndrome. Also called: Catch22; THIRD AND FOURTH PHARYNGEAL POUCH SYNDROME. Identifiers: Orphanet 567, MedGen C0012236, MONDO:0008564, OMIM 188400.

Allele frequency attached by ClinVar (database versions not stated): gnomAD exomes 0.00001; TOPMed 0.00001; gnomAD 0.00003 and 0.00004.
gnomAD v4.1: 12 of 878,382 alleles (0.0014%); highest among the groups gnomAD compares: East Asian, 0.012%; no homozygotes.

Submissions (2):

Labcorp Genetics (formerly Invitae), Labcorp
Classification: Uncertain significance for DiGeorge syndrome. Last evaluated: 2025-11-09. Review status: criteria provided, single submitter. Criteria: Invitae Variant Classification Sherloc (09022015). Collection method: clinical testing. Allele origin: germline.
Comment: This sequence change replaces alanine, which is neutral and non-polar, with valine, which is neutral and non-polar, at codon 57 of the TBX1 protein (p.Ala57Val). The frequency data for this variant in the population databases is considered unreliable, as metrics indicate poor data quality at this position in the gnomAD database. This variant has not been reported in the literature in individuals affected with TBX1-related conditions. ClinVar contains an entry for this variant (Variation ID: 995304). Invitae Evidence Modeling of protein sequence and biophysical properties (such as structural, functional, and spatial information, amino acid conservation, physicochemical variation, residue mobility, and thermodynamic stability) indicates that this missense variant is not expected to disrupt TBX1 protein function with a negative predictive value of 80%. In summary, the available evidence is currently insufficient to determine the role of this variant in disease. Therefore, it has been classified as a Variant of Uncertain Significance.

Athena Diagnostics
Classification: Uncertain significance. Last evaluated: 2020-08-04. Review status: criteria provided, single submitter. Criteria: Athena Diagnostics Criteria. Collection method: clinical testing. Allele origin: unknown.

Literature cited by the submitters: PubMed 27879657 (cited by Athena Diagnostics).

NM_001379200.1(TBX1):c.197C>T (p.Ala66Val)

Gene: TBX1 (T-box transcription factor 1; plus strand). Cytogenetic location: 22q11.21.
Variant type: single nucleotide variant.
Coding change: c.197C>T on transcript NM_001379200.1 (MANE Select); coding-DNA position 197, C replaced by T.
Protein change: p.Ala66Val; replaces alanine 66 with valine.
Molecular consequence: missense variant.
Genome position (GRCh38, 1-based): chr22:19,761,040, C>T. VCF-style: chr22-19761040-C-T. GRCh37 (hg19) VCF-style: chr22-19748563-C-T.
Other names: c.170C>T, p.Ala57Val (NM_080647.1, NM_005992.1, NM_080646.2); short protein forms A57V, A66V.
Identifiers: ClinVar variation 995304 (VCV000995304.11), dbSNP rs1383914204, ClinGen allele CA410681354.